The following is an entry in ClinVar:

ClinVar aggregate classification (germline): Uncertain significance. Review status: criteria provided, multiple submitters, no conflicts (2 of 4 stars). 2 submissions from 2 submitters: Uncertain significance (2). Last evaluated 2026-01-26.

Conditions:
Myofibrillar myopathy 6. Identifiers: Orphanet 199340, MedGen C2751831, MONDO:0013061, OMIM 612954.
Dilated cardiomyopathy 1HH (CMD1HH). Identifiers: Orphanet 154, MedGen C3151293, MONDO:0013479, OMIM 613881.
Cardiovascular phenotype. Identifiers: MedGen CN230736.

Allele frequency attached by ClinVar (database versions not stated): gnomAD exomes below 0.00001 and 0.00001; gnomAD 0.00001; TOPMed 0.00002.
gnomAD v4.1: 7 of 1,614,114 alleles (0.00043%); highest among the groups gnomAD compares: Admixed American, 0.0067%; no homozygotes.

Submissions (2):

Labcorp Genetics (formerly Invitae), Labcorp
Classification: Uncertain significance for Dilated cardiomyopathy 1HH; Myofibrillar myopathy 6. Last evaluated: 2026-01-26. Review status: criteria provided, single submitter. Criteria: Invitae Variant Classification Sherloc (09022015). Collection method: clinical testing. Allele origin: germline.
Comment: This sequence change replaces histidine, which is basic and polar, with tyrosine, which is neutral and polar, at codon 109 of the BAG3 protein (p.His109Tyr). This variant is present in population databases (no rsID available, gnomAD 0.009%). This variant has not been reported in the literature in individuals affected with BAG3-related conditions. ClinVar contains an entry for this variant (Variation ID: 659373). Invitae Evidence Modeling of protein sequence and biophysical properties (such as structural, functional, and spatial information, amino acid conservation, physicochemical variation, residue mobility, and thermodynamic stability) indicates that this missense variant is not expected to disrupt BAG3 protein function with a negative predictive value of 80%. In summary, the available evidence is currently insufficient to determine the role of this variant in disease. Therefore, it has been classified as a Variant of Uncertain Significance.

Ambry Genetics
Classification: Uncertain significance for Cardiovascular phenotype. Last evaluated: 2021-12-02. Review status: criteria provided, single submitter. Criteria: Ambry Variant Classification Scheme 2023. Collection method: clinical testing. Allele origin: germline.
Comment: The p.H109Y variant (also known as c.325C>T), located in coding exon 2 of the BAG3 gene, results from a C to T substitution at nucleotide position 325. The histidine at codon 109 is replaced by tyrosine, an amino acid with similar properties. Another variant affecting this codon (p.H109R, c.326A>G) has been detected in an individual with dilated cardiomyopathy (Norton N et al. Am. J. Hum. Genet., 2011 Mar;88:273-82). This amino acid position is not well conserved in available vertebrate species, and tyrosine is the reference amino acid in other vertebrate species. In addition, this alteration is predicted to be tolerated by in silico analysis. Since supporting evidence is limited at this time, the clinical significance of this alteration remains unclear.

Literature cited by the submitters: PubMed 21353195 (cited by Ambry Genetics).

NM_004281.4(BAG3):c.325C>T (p.His109Tyr)

Gene: BAG3 (BAG cochaperone 3; plus strand). Cytogenetic location: 10q26.11.
Variant type: single nucleotide variant.
Coding change: c.325C>T on transcript NM_004281.4 (MANE Select); coding-DNA position 325, C replaced by T.
Protein change: p.His109Tyr; replaces histidine 109 with tyrosine.
Molecular consequence: missense variant.
Genome position (GRCh38, 1-based): chr10:119,669,995, C>T. VCF-style: chr10-119669995-C-T. GRCh37 (hg19) VCF-style: chr10-121429507-C-T.
Other names: short protein forms H109Y.
Identifiers: ClinVar variation 659373 (VCV000659373.14), dbSNP rs753302310, ClinGen allele CA214219867.